The following is an entry in ClinVar:

NM_000256.3(MYBPC3):c.2450G>C (p.Arg817Pro)

Gene: MYBPC3 (myosin binding protein C3; minus strand). Cytogenetic location: 11p11.2.
Variant type: single nucleotide variant.
Coding change: c.2450G>C on transcript NM_000256.3 (MANE Select); coding-DNA position 2450, G replaced by C.
Protein change: p.Arg817Pro; replaces arginine 817 with proline.
Molecular consequence: missense variant.
Genome position (GRCh38, 1-based): chr11:47,337,543, C>G on the plus strand (G>C on the coding strand, the complement: MYBPC3 is on the minus strand). VCF-style: chr11-47337543-C-G. GRCh37 (hg19) VCF-style: chr11-47359094-C-G.
Other names: short protein forms R817P.
Identifiers: ClinVar variation 924059 (VCV000924059.16), dbSNP rs397515964, ClinGen allele CA078737.

ClinVar aggregate classification (germline): Conflicting classifications of pathogenicity. Review status: criteria provided, conflicting classifications (1 of 4 stars). 7 submissions from 7 submitters: Likely pathogenic (1); Uncertain significance (6). Last evaluated 2025-05-29.

Conditions:
Cardiovascular phenotype. Identifiers: MedGen CN230736.
Hypertrophic cardiomyopathy. Also called: HYPERTROPHIC MYOCARDIOPATHY. Identifiers: Orphanet 217569, MedGen C0007194, MeSH D002312, MONDO:0005045, HP:0001639.
MYBPC3-related disorder. Also called: MYBPC3-related disorders; MYBPC3-related condition; MYBPC3-related disease.
Cardiomyopathy (CMYO). Also called: Cardiomyopathies. Identifiers: Orphanet 167848, MedGen C0878544, MONDO:0004994, HP:0001638. Inheritance: Various modes of inheritance.

Allele frequency attached by ClinVar (database versions not stated): TOPMed 0.00001.

Submissions (7):

PreventionGenetics, part of Exact Sciences
Classification: Uncertain significance for MYBPC3-related condition. Last evaluated: 2025-05-29. Review status: criteria provided, single submitter. Criteria: ACMG Guidelines, 2015. Collection method: clinical testing. Allele origin: germline.
Comment: The MYBPC3 c.2450G>C variant is predicted to result in the amino acid substitution p.Arg817Pro. To our knowledge, this variant has not been reported in the literature. This variant is reported in 0.0058% of alleles in individuals of Latino descent in gnomAD. Alternate missense substitutions affecting the same amino acid (p.Arg817Trp, p.Arg817Gln, and p.Arg817Gly) have been reported in multiple individuals with hypertrophic cardiomyopathy (Table S1, Lopes et al. 2015. PubMed ID: 25351510; Table S1, Murphy et al. 2016. PubMed ID: 26914223; Cecconi et al. 2016. PubMed ID: 27600940). At this time, the clinical significance of the c.2450G>C (p.Arg817Pro) variant is uncertain due to the absence of conclusive functional and genetic evidence.

Ambry Genetics
Classification: Uncertain significance for Cardiovascular phenotype. Last evaluated: 2024-09-17. Review status: criteria provided, single submitter. Criteria: Ambry Variant Classification Scheme 2023. Collection method: clinical testing. Allele origin: germline.
Comment: The p.R817P variant (also known as c.2450G>C), located in coding exon 25 of the MYBPC3 gene, results from a G to C substitution at nucleotide position 2450. The arginine at codon 817 is replaced by proline, an amino acid with dissimilar properties. This amino acid position is highly conserved in available vertebrate species. In addition, this alteration is predicted to be deleterious by in silico analysis. Based on the available evidence, the clinical significance of this variant remains unclear.

All of Us Research Program, National Institutes of Health
Classification: Uncertain significance for Hypertrophic cardiomyopathy. Last evaluated: 2023-09-17. Review status: criteria provided, single submitter. Criteria: ACMG Guidelines, 2015. Collection method: clinical testing. Allele origin: germline. Inheritance: Autosomal dominant inheritance. Observed: 1 variant allele, 1 heterozygote.
Comment: This missense variant replaces arginine with proline at codon 817 of the MYBPC3 protein. Computational prediction tool is inconclusive regarding the impact of this variant on protein structure and function (internally defined REVEL score threshold 0.5 < inconclusive < 0.7, PMID: 27666373). Splice site prediction tools suggest that this variant may not impact RNA splicing. To our knowledge, functional studies have not been performed for this variant. This variant has not been reported in individuals affected with cardiovascular disorders in the literature. This variant has been identified in 2/249212 chromosomes in the general population by the Genome Aggregation Database (gnomAD). The available evidence is insufficient to determine the role of this variant in disease conclusively. Therefore, this variant is classified as a Variant of Uncertain Significance.

This study involves interpretation of variants in research participants for the purpose of population health screening. Participant phenotype was not available at the time of variant classification. Additional details can be found in publication PMID: 35346344, PMCID: PMC8962531

Color Diagnostics, LLC DBA Color Health
Classification: Uncertain significance for Cardiomyopathy. Last evaluated: 2023-09-07. Review status: criteria provided, single submitter. Criteria: ACMG Guidelines, 2015. Collection method: clinical testing. Allele origin: germline.
Comment: This missense variant replaces arginine with proline at codon 817 of the MYBPC3 protein. Computational prediction is inconclusive regarding the impact of this variant on protein structure and function (internally defined REVEL score threshold 0.5 < inconclusive < 0.7, PMID: 27666373). To our knowledge, functional studies have not been reported for this variant. This variant has not been reported in individuals affected with MYBPC3-related disorders in the literature. This variant has been identified in 2/249212 chromosomes in the general population by the Genome Aggregation Database (gnomAD). The available evidence is insufficient to determine the role of this variant in disease conclusively. Therefore, this variant is classified as a Variant of Uncertain Significance.

Laboratorio de Biologia Molecular - Genetica, Hospital de Pediatria Garrahan
Classification: Likely pathogenic for Hypertrophic cardiomyopathy. Last evaluated: 2022-12-02. Review status: criteria provided, single submitter. Criteria: ACMG Guidelines, 2015. Collection method: clinical testing. Allele origin: paternal. Inheritance: Autosomal dominant inheritance. Affected: yes. Observed: 1 heterozygote.
Comment: This variant, c.2450G>C (p.Arg817Pro) was detected in a known gene associated with HCM, MYBPC3. The variant present a gnomad popmax value of 0.0000096. The in silico anlysis predicted a deleterious effect, with a revel score of 0.58. In summary, and considering the ACMG guidelines we clasified this variant as likely pathogenic.

Labcorp Genetics (formerly Invitae), Labcorp
Classification: Uncertain significance for Hypertrophic cardiomyopathy. Last evaluated: 2022-09-19. Review status: criteria provided, single submitter. Criteria: Invitae Variant Classification Sherloc (09022015). Collection method: clinical testing. Allele origin: germline.
Comment: In summary, the available evidence is currently insufficient to determine the role of this variant in disease. Therefore, it has been classified as a Variant of Uncertain Significance. This variant disrupts the p.Arg817 amino acid residue in MYBPC3. Other variant(s) that disrupt this residue have been determined to be pathogenic (PMID: 26914223, 27532257; Invitae). This suggests that this residue is clinically significant, and that variants that disrupt this residue are likely to be disease-causing. Algorithms developed to predict the effect of missense changes on protein structure and function (SIFT, PolyPhen-2, Align-GVGD) all suggest that this variant is likely to be disruptive. ClinVar contains an entry for this variant (Variation ID: 924059). This variant has not been reported in the literature in individuals affected with MYBPC3-related conditions. This variant is present in population databases (rs397515964, gnomAD 0.006%). This sequence change replaces arginine, which is basic and polar, with proline, which is neutral and non-polar, at codon 817 of the MYBPC3 protein (p.Arg817Pro).

Blueprint Genetics
Classification: Uncertain significance. Last evaluated: 2019-12-31. Review status: criteria provided, single submitter. Criteria: ACMG Guidelines, 2015. Collection method: clinical testing. Allele origin: germline.

Literature cited by the submitters: PubMed 26914223 (cited by Labcorp Genetics (formerly Invitae), Labcorp); PubMed 27532257 (cited by Labcorp Genetics (formerly Invitae), Labcorp).